The following is an entry in ClinVar:

NM_001040108.2(MLH3):c.3550G>A (p.Gly1184Arg)

Gene: MLH3 (mutL homolog 3; minus strand). Cytogenetic location: 14q24.3.
Variant type: single nucleotide variant.
Coding change: c.3550G>A on transcript NM_001040108.2 (MANE Select); coding-DNA position 3550, G replaced by A.
Protein change: p.Gly1184Arg; replaces glycine 1184 with arginine.
Molecular consequence: missense variant.
Genome position (GRCh38, 1-based): chr14:75,039,931, C>T on the plus strand (G>A on the coding strand, the complement: MLH3 is on the minus strand). VCF-style: chr14-75039931-C-T. GRCh37 (hg19) VCF-style: chr14-75506634-C-T.
Other names: c.3550G>A (NM_001040108.1); c.3550G>A, p.Gly1184Arg (NM_014381.3); short protein forms G1184R.
Identifiers: ClinVar variation 1481804 (VCV001481804.7), dbSNP rs747888681, ClinGen allele CA7275457.

ClinVar aggregate classification (germline): Uncertain significance. Review status: criteria provided, multiple submitters, no conflicts (2 of 4 stars). 2 submissions from 2 submitters: Uncertain significance (2). Last evaluated 2023-02-24.

Conditions:
Endometrial carcinoma. Also called: Endometrial carcinoma, somatic. Identifiers: MedGen C0476089, MONDO:0002447, OMIM 608089, HP:0012114.
Colorectal cancer. Also called: Colorectal cancer, somatic; Malignant Colorectal Neoplasm. Identifiers: MedGen C0346629, MONDO:0005575, OMIM 114500.
Colorectal cancer, hereditary nonpolyposis, type 7. Identifiers: Orphanet 144, MedGen C1858380, MONDO:0013725, OMIM 614385.

Allele frequency attached by ClinVar (database versions not stated): gnomAD exomes below 0.00001 and 0.00001; ExAC 0.00001.

Submissions (2):

Department of Pathology and Laboratory Medicine, Sinai Health System
Classification: Uncertain significance for Colorectal cancer; Endometrial carcinoma; Colorectal cancer, hereditary nonpolyposis, type 7. Last evaluated: 2023-02-24. Review status: criteria provided, single submitter. Criteria: ACMG Guidelines, 2015. Collection method: clinical testing. Allele origin: germline. Affected: yes.

Labcorp Genetics (formerly Invitae), Labcorp
Classification: Uncertain significance for Colorectal cancer, hereditary nonpolyposis, type 7. Last evaluated: 2021-08-28. Review status: criteria provided, single submitter. Criteria: Invitae Variant Classification Sherloc (09022015). Collection method: clinical testing. Allele origin: germline.
Comment: This sequence change replaces glycine with arginine at codon 1184 of the MLH3 protein (p.Gly1184Arg). The glycine residue is weakly conserved and there is a moderate physicochemical difference between glycine and arginine. In summary, the available evidence is currently insufficient to determine the role of this variant in disease. Therefore, it has been classified as a Variant of Uncertain Significance. Algorithms developed to predict the effect of sequence changes on RNA splicing suggest that this variant may create or strengthen a splice site. Algorithms developed to predict the effect of missense changes on protein structure and function (SIFT, PolyPhen-2, Align-GVGD) all suggest that this variant is likely to be tolerated. This variant has not been reported in the literature in individuals affected with MLH3-related conditions. This variant is present in population databases (rs747888681, ExAC 0.006%).